The following is an entry in ClinVar:

NM_000088.4(COL1A1):c.326_328delinsACA (p.Gly109_Val110delinsAspIle)

Gene: COL1A1 (collagen type I alpha 1 chain; minus strand). Cytogenetic location: 17q21.33.
Variant type: Indel.
Coding change: c.326_328delinsACA on transcript NM_000088.4 (MANE Select); coding-DNA positions 326 to 328, GCG replaced by ACA.
Protein change: p.Gly109_Val110delinsAspIle.
Molecular consequence: missense variant.
Genome position (GRCh38, 1-based): chr17:50,199,561-50,199,563, CGC replaced by TGT on the plus strand (GCG replaced by ACA on the coding strand, the reverse complement: COL1A1 is on the minus strand). VCF-style: chr17-50199561-CGC-TGT. GRCh37 (hg19) VCF-style: chr17-48276922-CGC-TGT.
Identifiers: ClinVar variation 4613913 (VCV004613913.1).
Genomic context (GRCh38, chr17:50,199,561, plus strand): 5'-GGACTGTGAGGAGTCACGGGCCGCGCAGGGGCAAAATTCGAGGGCAGGAGATTACCTCGA[CGC>TGT]CGGTGGTTTCTTGGTCGGTGGGTGACTCTAGGGGACGAAGAGACGCGCGTTAGAGCCAAG-3'

ClinVar aggregate classification (germline): Uncertain significance (1 of 4 stars; one submission).

Conditions:
Cardiovascular phenotype. Identifiers: MedGen CN230736.

Submission:

Ambry Genetics
Classification: Uncertain significance for Cardiovascular phenotype. Last evaluated: 2025-11-20. Review status: criteria provided, single submitter. Criteria: Ambry Variant Classification Scheme 2023. Collection method: clinical testing. Allele origin: germline.
Comment: The c.326_328delGCGinsACA variant (also known as p.G109_V110delinsDI), located in coding exon 3 of the COL1A1 gene, results from an in-frame deletion of GCG and insertion of ACA at nucleotide positions 326 to 328. This results in the substitution of glycine and valine residues for aspartic acid and isolecine residues at codons 109 and 110. This amino acid region is highly conserved in available vertebrate species. In addition, the in silico prediction for this variant is inconclusive (Choi Y et al. PLoS ONE. 2012; 7(10):e46688). Based on the available evidence, the clinical significance of this variant remains unclear.